The following is an entry in ClinVar:

NM_004562.3(PRKN):c.674C>G (p.Ala225Gly)

Gene: PRKN (parkin RBR E3 ubiquitin protein ligase; minus strand). Cytogenetic location: 6q26.
Variant type: single nucleotide variant.
Coding change: c.674C>G on transcript NM_004562.3 (MANE Select); coding-DNA position 674, C replaced by G.
Protein change: p.Ala225Gly; replaces alanine 225 with glycine.
Molecular consequence: missense variant.
Genome position (GRCh38, 1-based): chr6:161,973,362, G>C on the plus strand (C>G on the coding strand, the complement: PRKN is on the minus strand). VCF-style: chr6-161973362-G-C. GRCh37 (hg19) VCF-style: chr6-162394394-G-C.
Other names: c.590C>G, p.Ala197Gly (NM_013987.3); c.227C>G, p.Ala76Gly (NM_013988.3); short protein forms A225G, A76G, A197G.
Identifiers: ClinVar variation 1477751 (VCV001477751.6), dbSNP rs1356263061, ClinGen allele CA366466907.
Genomic context (GRCh38, chr6:161,973,362, plus strand): 5'-CTGACGTCTGTGCACGTAATGCAAGTGATGTTCCGACTATTTGTTGCGATCAGGTGCAAA[G>C]CTACTGATGTTTCCTTGTCAGAGGTGGGGTGTGCTCCACATTTAAAGAAAAATTCCTGAA-3'
Protein context (NP_004553.2, residues 215-235): HPTSDKETSV[Ala225Gly]LHLIATNSRN

ClinVar aggregate classification (germline): Uncertain significance (1 of 4 stars; one submission).

gnomAD v4.1: 1 of 1,613,996 alleles (0.000062%); highest among the groups gnomAD compares: Non-Finnish European, 0.000085%; no homozygotes.

Submission:

Labcorp Genetics (formerly Invitae), Labcorp
Classification: Uncertain significance. Last evaluated: 2021-08-27. Review status: criteria provided, single submitter. Criteria: Invitae Variant Classification Sherloc (09022015). Collection method: clinical testing. Allele origin: germline.
Comment: This variant has not been reported in the literature in individuals affected with PRKN-related conditions. In summary, the available evidence is currently insufficient to determine the role of this variant in disease. Therefore, it has been classified as a Variant of Uncertain Significance. Algorithms developed to predict the effect of sequence changes on RNA splicing suggest that this variant may create or strengthen a splice site. Algorithms developed to predict the effect of missense changes on protein structure and function (SIFT, PolyPhen-2, Align-GVGD) all suggest that this variant is likely to be tolerated. This variant is not present in population databases (ExAC no frequency). This sequence change replaces alanine with glycine at codon 225 of the PRKN protein (p.Ala225Gly). The alanine residue is moderately conserved and there is a small physicochemical difference between alanine and glycine.